The following is an entry in ClinVar:

NM_003906.5(MCM3AP):c.382G>A (p.Gly128Arg)

Gene: MCM3AP (minichromosome maintenance complex component 3 associated protein; minus strand). Cytogenetic location: 21q22.3.
Variant type: single nucleotide variant.
Coding change: c.382G>A on transcript NM_003906.5 (MANE Select); coding-DNA position 382, G replaced by A.
Protein change: p.Gly128Arg; replaces glycine 128 with arginine.
Molecular consequence: missense variant.
Genome position (GRCh38, 1-based): chr21:46,284,905, C>T on the plus strand (G>A on the coding strand, the complement: MCM3AP is on the minus strand). VCF-style: chr21-46284905-C-T. GRCh37 (hg19) VCF-style: chr21-47704819-C-T.
Other names: short protein forms G128R.
Identifiers: ClinVar variation 3293673 (VCV003293673.2).

ClinVar aggregate classification (germline): Uncertain significance. Review status: criteria provided, multiple submitters, no conflicts (2 of 4 stars). 2 submissions from 2 submitters: Uncertain significance (2). Last evaluated 2025-08-26.

Conditions:
Inborn genetic diseases. Identifiers: MedGen C0950123, MeSH D030342.

Submissions (2):

Labcorp Genetics (formerly Invitae), Labcorp
Classification: Uncertain significance. Last evaluated: 2025-08-26. Review status: criteria provided, single submitter. Criteria: Invitae Variant Classification Sherloc (09022015). Collection method: clinical testing. Allele origin: germline.
Comment: This sequence change replaces glycine, which is neutral and non-polar, with arginine, which is basic and polar, at codon 128 of the MCM3AP protein (p.Gly128Arg). This variant is not present in population databases (gnomAD no frequency). This variant has not been reported in the literature in individuals affected with MCM3AP-related conditions. ClinVar contains an entry for this variant (Variation ID: 3293673). An algorithm developed to predict the effect of missense changes on protein structure and function (PolyPhen-2) suggests that this variant is likely to be disruptive. In summary, the available evidence is currently insufficient to determine the role of this variant in disease. Therefore, it has been classified as a Variant of Uncertain Significance.

Ambry Genetics
Classification: Uncertain significance for Inborn genetic diseases. Last evaluated: 2024-04-23. Review status: criteria provided, single submitter. Criteria: Ambry Variant Classification Scheme 2023. Collection method: clinical testing. Allele origin: germline.